The following is an entry in ClinVar:

NM_000260.4(MYO7A):c.447C>A (p.Ser149Arg)

Gene: MYO7A (myosin VIIA; plus strand). Cytogenetic location: 11q13.5.
Variant type: single nucleotide variant.
Coding change: c.447C>A on transcript NM_000260.4 (MANE Select); coding-DNA position 447, C replaced by A.
Protein change: p.Ser149Arg; replaces serine 149 with arginine.
Molecular consequence: missense variant.
Genome position (GRCh38, 1-based): chr11:77,156,068, C>A. VCF-style: chr11-77156068-C-A. GRCh37 (hg19) VCF-style: chr11-76867114-C-A.
Other names: c.447C>A, p.Ser149Arg (NM_001127180.2); c.414C>A, p.Ser138Arg (NM_001369365.1); short protein forms S138R, S149R.
Identifiers: ClinVar variation 2076632 (VCV002076632.4), dbSNP rs2496731625, ClinGen allele CA381931666.

ClinVar aggregate classification (germline): Uncertain significance (1 of 4 stars; one submission).

Submission:

Labcorp Genetics (formerly Invitae), Labcorp
Classification: Uncertain significance. Last evaluated: 2022-03-17. Review status: criteria provided, single submitter. Criteria: Invitae Variant Classification Sherloc (09022015). Collection method: clinical testing. Allele origin: germline.
Comment: This sequence change replaces serine, which is neutral and polar, with arginine, which is basic and polar, at codon 149 of the MYO7A protein (p.Ser149Arg). This variant is not present in population databases (gnomAD no frequency). This variant has not been reported in the literature in individuals affected with MYO7A-related conditions. Advanced modeling of protein sequence and biophysical properties (such as structural, functional, and spatial information, amino acid conservation, physicochemical variation, residue mobility, and thermodynamic stability) performed at Invitae indicates that this missense variant is not expected to disrupt MYO7A protein function. In summary, the available evidence is currently insufficient to determine the role of this variant in disease. Therefore, it has been classified as a Variant of Uncertain Significance.